The following is an entry in ClinVar:

ClinVar aggregate classification (germline): Uncertain significance (1 of 4 stars; one submission).

Conditions:
Familial hemiplegic migraine. Identifiers: MedGen C0338484, MONDO:0000700.

Submission:

Labcorp Genetics (formerly Invitae), Labcorp
Classification: Uncertain significance for Familial hemiplegic migraine. Last evaluated: 2024-10-07. Review status: criteria provided, single submitter. Criteria: Invitae Variant Classification Sherloc (09022015). Collection method: clinical testing. Allele origin: germline.
Comment: This sequence change replaces leucine, which is neutral and non-polar, with proline, which is neutral and non-polar, at codon 956 of the ATP1A2 protein (p.Leu956Pro). This variant is not present in population databases (gnomAD no frequency). This variant has not been reported in the literature in individuals affected with ATP1A2-related conditions. Invitae Evidence Modeling of protein sequence and biophysical properties (such as structural, functional, and spatial information, amino acid conservation, physicochemical variation, residue mobility, and thermodynamic stability) indicates that this missense variant is not expected to disrupt ATP1A2 protein function with a negative predictive value of 80%. In summary, the available evidence is currently insufficient to determine the role of this variant in disease. Therefore, it has been classified as a Variant of Uncertain Significance.

NM_000702.4(ATP1A2):c.2867T>C (p.Leu956Pro)

Gene: ATP1A2 (ATPase Na+/K+ transporting subunit alpha 2; plus strand). Cytogenetic location: 1q23.2.
Variant type: single nucleotide variant.
Coding change: c.2867T>C on transcript NM_000702.4 (MANE Select); coding-DNA position 2867, T replaced by C.
Protein change: p.Leu956Pro; replaces leucine 956 with proline.
Molecular consequence: missense variant.
Genome position (GRCh38, 1-based): chr1:160,139,666, T>C. VCF-style: chr1-160139666-T-C. GRCh37 (hg19) VCF-style: chr1-160109456-T-C.
Other names: short protein forms L956P.
Identifiers: ClinVar variation 2854274 (VCV002854274.3), dbSNP rs2524898267, ClinGen allele CA343255083.
Genomic context (GRCh38, chr1:160,139,666, plus strand): 5'-CCTTCACCTGCCACCTCCTTTCTTTGCCTTTCAGGAACAAGATCCTGATTTTTGGGCTCC[T>C]GGAGGAGACGGCGTTGGCTGCCTTTCTCTCTTACTGCCCAGGCATGGGTGTAGCCCTCCG-3'
Protein context (NP_000693.1, residues 946-966): MKNKILIFGL[Leu956Pro]EETALAAFLS